The following is an entry in ClinVar:

ClinVar aggregate classification (germline): Uncertain significance (1 of 4 stars; one submission).

gnomAD v4.1: 1 of 1,612,568 alleles (0.000062%); highest among the groups gnomAD compares: Admixed American, 0.0017%; no homozygotes.

Submission:

Labcorp Genetics (formerly Invitae), Labcorp
Classification: Uncertain significance. Last evaluated: 2021-12-16. Review status: criteria provided, single submitter. Criteria: Invitae Variant Classification Sherloc (09022015). Collection method: clinical testing. Allele origin: germline.
Comment: In summary, the available evidence is currently insufficient to determine the role of this variant in disease. Therefore, it has been classified as a Variant of Uncertain Significance. Algorithms developed to predict the effect of sequence changes on RNA splicing suggest that this variant may create or strengthen a splice site. Algorithms developed to predict the effect of missense changes on protein structure and function are either unavailable or do not agree on the potential impact of this missense change (SIFT: "Tolerated"; PolyPhen-2: "Possibly Damaging"; Align-GVGD: "Class C0"). This variant has not been reported in the literature in individuals affected with SLC22A12-related conditions. The frequency data for this variant in the population databases is considered unreliable, as metrics indicate poor data quality at this position in the gnomAD database. This sequence change replaces proline, which is neutral and non-polar, with glutamine, which is neutral and polar, at codon 79 of the SLC22A12 protein (p.Pro79Gln).

NM_144585.4(SLC22A12):c.236C>A (p.Pro79Gln)

Gene: SLC22A12 (solute carrier family 22 member 12; plus strand). Cytogenetic location: 11q13.1.
Variant type: single nucleotide variant.
Coding change: c.236C>A on transcript NM_144585.4 (MANE Select); coding-DNA position 236, C replaced by A.
Protein change: p.Pro79Gln; replaces proline 79 with glutamine.
Molecular consequence: missense variant. On other transcripts: 5 prime UTR variant (1).
Genome position (GRCh38, 1-based): chr11:64,591,792, C>A. VCF-style: chr11-64591792-C-A. GRCh37 (hg19) VCF-style: chr11-64359264-C-A.
Other names: c.236C>A, p.Pro79Gln (NM_001276326.2, NM_001276327.2); c.-273C>A (NM_153378.3); short protein forms P79Q.
Identifiers: ClinVar variation 1912884 (VCV001912884.5), dbSNP rs771497490, ClinGen allele CA381115730.
Genomic context (GRCh38, chr11:64,591,792, plus strand): 5'-CTCAGGCCAGCATCCTAGGGAGCTTGAGTCCTGAGGCCCTCCTGGCTATTTCCATCCCGC[C>A]GGGCCCCAACCAGAGGCCCCACCAGTGCCGCCGCTTCCGCCAGCCACAGTGGCAGCTCTT-3'
Protein context (NP_653186.2, residues 69-89): PEALLAISIP[Pro79Gln]GPNQRPHQCR